The following is an entry in ClinVar:

NM_000169.3(GLA):c.678del (p.Trp226fs)

Genes: GLA (galactosidase alpha; minus strand), RPL36A-HNRNPH2 (RPL36A-HNRNPH2 readthrough; plus strand). Cytogenetic location: Xq22.1.
Variant type: Deletion.
Coding change: c.678del on transcript NM_000169.3 (MANE Select); coding-DNA position 678, one base deleted (G; older notation c.678delG).
Protein change: p.Trp226fs; shifts the reading frame from tryptophan 226.
Molecular consequence: frameshift variant. On other transcripts: non-coding transcript variant (3), intron variant (2).
Genome position (GRCh38, 1-based): chrX:101,398,908, C deleted on the plus strand (G on the coding strand, the reverse complement: GLA is on the minus strand); the first of 2 consecutive C bases (chrX:101,398,908-101,398,909); deleting either gives the same sequence. VCF-style (leftmost placement, unchanged base first): chrX-101398907-GC-G. GRCh37 (hg19) VCF-style: chrX-100653895-GC-G.
Other names: c.801del, p.Trp267fs (NM_001406747.1); c.678del, p.Trp226fs (NM_001406748.1); c.300+3452del (NM_001199973.2); c.177+7087del (NM_001199974.2); short protein forms W226fs, W267fs.
Identifiers: ClinVar variation 4086991 (VCV004086991.2).
Genomic context (GRCh38, chrX:101,398,907, plus strand): 5'-ATGTCCAGTCCAAGATACTCTTTATACTTTTCCAGGAATCATCAATGTCAGCAAAATTTC[GC>G]CAGTGATTGCAGTACTGTCGGATTTCTGTATAATTGGGCTGTGAAAACAGATATGACTCT-3'

ClinVar aggregate classification (germline): Pathogenic (1 of 4 stars; one submission).

Conditions:
Fabry disease. Also called: ALPHA-GALACTOSIDASE A DEFICIENCY; ANDERSON-FABRY DISEASE; CERAMIDE TRIHEXOSIDASE DEFICIENCY; GLA DEFICIENCY; HEREDITARY DYSTOPIC LIPIDOSIS; Angiokeratoma corporis diffusum. Identifiers: Orphanet 324, MedGen C0002986, MONDO:0010526, OMIM 301500, HP:0001071. Disease mechanism: Fabry disease is due to inactivating mutations in the X-linked GLA gene resulting in deficiency of the enzyme Alpha Galactosidase-A., loss of function.

Submission:

Genomenon, Inc
Classification: Pathogenic for Fabry disease. Last evaluated: 2026-09-08. Review status: criteria provided, single submitter. Criteria: Genomenon Sequence Variant Interpretation Standards - Updated. Collection method: curation. Allele origin: germline. Affected: yes.
Comment: GLA p.Trp226CysfsTer14 (c.678del) is a frameshift variant that is predicted to introduce a premature termination codon and result in a truncated or absent protein product. This variant has been observed in at least one proband with clinical features consistent with Fabry disease (PMID:28736719). It is absent or not present at a significant frequency in gnomAD. In conclusion, we classify GLA p.Trp226CysfsTer14 (c.678del) as a pathogenic variant.

Literature cited by the submitters: PubMed 28736719.